The following is an entry in ClinVar:

ClinVar aggregate classification (germline): Likely benign (1 of 4 stars; one submission).

gnomAD v4.1: 26 of 1,614,130 alleles (0.0016%); highest among the groups gnomAD compares: African/African-American, 0.0027%; no homozygotes.

Submission:

CeGaT Center for Human Genetics Tuebingen
Classification: Likely benign. Last evaluated: 2025-07-01. Review status: criteria provided, single submitter. Criteria: CeGaT Center For Human Genetics Tuebingen Variant Classification Criteria Version 2. Collection method: clinical testing. Allele origin: germline. Affected: yes. Observed: 1 variant allele.
Comment: LRRC7: BP4, BP7

NM_001370785.2(LRRC7):c.3312C>T (p.Ile1104=)

Genes: LRRC7 (leucine rich repeat containing 7; plus strand), LRRC7-AS1 (LRRC7 antisense RNA 1; minus strand). Cytogenetic location: 1p31.1.
Variant type: single nucleotide variant.
Coding change: c.3312C>T on transcript NM_001370785.2 (MANE Select); coding-DNA position 3312, C replaced by T.
Protein change: p.Ile1104=; no amino-acid change (isoleucine 1104 retained).
Molecular consequence: synonymous variant.
Genome position (GRCh38, 1-based): chr1:70,039,136, C>T. VCF-style: chr1-70039136-C-T. GRCh37 (hg19) VCF-style: chr1-70504819-C-T.
Other names: c.3213C>T, p.Ile1071= (NM_001330635.3, NM_001366841.1); c.3315C>T, p.Ile1105= (NM_001350216.3); c.3312C>T, p.Ile1104= (NM_001366838.3); c.3153C>T, p.Ile1051= (NM_001366839.3).
Identifiers: ClinVar variation 4084905 (VCV004084905.8).
Genomic context (GRCh38, chr1:70,039,136, plus strand): 5'-GAGGATACCACCCCCTTTTCAACACAATCCCGAGTACGTGCAACAGGCCAGCAAAAACAT[C>T]GCCAAGGATTTGATTAGTCCTAGAGCTTACAGAGGATACCCACCGATGGAGCAAATGTTT-3'
Protein context (NP_001357714.1, residues 1094-1114): PEYVQQASKN[Ile1104=]AKDLISPRAY